The following is an entry in ClinVar:

NM_020812.4(DOCK6):c.2982C>G (p.Asn994Lys)

Gene: DOCK6 (dedicator of cytokinesis 6; minus strand). Cytogenetic location: 19p13.2.
Variant type: single nucleotide variant.
Coding change: c.2982C>G on transcript NM_020812.4 (MANE Select); coding-DNA position 2982, C replaced by G.
Protein change: p.Asn994Lys; replaces asparagine 994 with lysine.
Molecular consequence: missense variant.
Genome position (GRCh38, 1-based): chr19:11,223,080, G>C on the plus strand (C>G on the coding strand, the complement: DOCK6 is on the minus strand). VCF-style: chr19-11223080-G-C. GRCh37 (hg19) VCF-style: chr19-11333756-G-C.
Other names: c.3087C>G, p.Asn1029Lys (NM_001367830.1); short protein forms N1029K, N994K.
Identifiers: ClinVar variation 4292211 (VCV004292211.1).

ClinVar aggregate classification (germline): Uncertain significance (1 of 4 stars; one submission).

Conditions:
Adams-Oliver syndrome 2 (AOS2). Identifiers: Orphanet 974, MedGen C3280182, MONDO:0013635, OMIM 614219.

Submission:

3billion
Classification: Uncertain significance for Adams-Oliver syndrome 2. Last evaluated: 2024-09-04. Review status: criteria provided, single submitter. Criteria: ACMG Guidelines, 2015. Collection method: clinical testing. Allele origin: germline. Affected: yes.
Comment: The variant is not observed in the gnomAD v4.0.0 dataset. Predicted Consequence/Location: Missense variant In silico tool predictions suggest no damaging effect of the variant on gene or gene product [REVEL: 0.34 (<0.4); 3Cnet: 0.00 (<0.15, specificity 0.78 and negative predictive value 0.92)]. Therefore, this variant is classified as VUS according to the recommendation of ACMG/AMP guideline.